The following is an entry in ClinVar:

ClinVar aggregate classification (germline): Uncertain significance. Review status: criteria provided, multiple submitters, no conflicts (2 of 4 stars). 9 submissions from 9 submitters: Uncertain significance (8). 1 of the submissions does not count toward it. Last evaluated 2026-09-07.

Conditions:
Marfan syndrome (MFS). Also called: MARFAN SYNDROME, TYPE I; Marfan syndrome type 1; Marfan's syndrome; Marfan syndrome, classic; FBN1-Related Marfan Syndrome. Identifiers: Orphanet 284963, Orphanet 558, MedGen C0024796, MONDO:0007947, OMIM 154700.
Familial thoracic aortic aneurysm and aortic dissection (TAAD). Also called: Thoracic aortic aneurysms and dissections. Identifiers: Orphanet 91387, MedGen C4707243, MONDO:0019625.
FBN1-related disorder. Also called: FBN1-related disorders.

Allele frequency attached by ClinVar (database versions not stated): ExAC 0.00001; TOPMed 0.00001.
gnomAD v4.1: 7 of 1,613,746 alleles (0.00043%); highest among the groups gnomAD compares: East Asian, 0.0045%; no homozygotes.

Submissions (9):

Ambry Genetics
Classification: Uncertain significance for Familial thoracic aortic aneurysm and aortic dissection. Last evaluated: 2026-09-07. Review status: criteria provided, single submitter. Criteria: Ambry Variant Classification Scheme 2023. Collection method: clinical testing. Allele origin: germline.
Comment: The p.S390P variant (also known as c.1168T>C), located in coding exon 10 of the FBN1 gene, results from a T to C substitution at nucleotide position 1168. The serine at codon 390 is replaced by proline, an amino acid with similar properties. This amino acid position is conserved. In addition, the in silico prediction for this alteration is inconclusive. Based on the available evidence, the clinical significance of this variant remains unclear.

Women's Health and Genetics/Laboratory Corporation of America, LabCorp
Classification: Uncertain significance. Last evaluated: 2026-02-23. Review status: criteria provided, single submitter. Criteria: LabCorp Variant Classification Summary - May 2015. Collection method: clinical testing. Allele origin: germline.
Comment: Variant summary: FBN1 c.1168T>C (p.Ser390Pro) results in a non-conservative amino acid change in the encoded protein sequence. Algorithms developed to predict the effect of missense changes on protein structure and function are either unavailable or do not agree on the potential impact of this missense change. The variant was absent in 250144 control chromosomes. The available data on variant occurrences in the general population are insufficient to allow any conclusion about variant significance. To our knowledge, no occurrence of c.1168T>C in individuals affected with FBN1-related conditions and no experimental evidence demonstrating its impact on protein function have been reported. ClinVar contains an entry for this variant (Variation ID: 923497). Based on the evidence outlined above, the variant was classified as uncertain significance.

Color Diagnostics, LLC DBA Color Health
Classification: Uncertain significance for Familial thoracic aortic aneurysm and aortic dissection. Last evaluated: 2025-01-20. Review status: criteria provided, single submitter. Criteria: ACMG Guidelines, 2015. Collection method: clinical testing. Allele origin: germline.
Comment: This missense variant replaces serine with proline at codon 390 of the FBN1 protein. Computational prediction suggests that this variant may not impact protein structure and function. To our knowledge, functional studies have not been reported for this variant. This variant has not been reported in individuals affected with FBN1-related disorders in the literature. This variant has not been identified in the general population by the Genome Aggregation Database (gnomAD). The available evidence is insufficient to determine the role of this variant in disease conclusively. Therefore, this variant is classified as a Variant of Uncertain Significance.

Labcorp Genetics (formerly Invitae), Labcorp
Classification: Uncertain significance for Marfan syndrome; Familial thoracic aortic aneurysm and aortic dissection. Last evaluated: 2024-10-30. Review status: criteria provided, single submitter. Criteria: Invitae Variant Classification Sherloc (09022015). Collection method: clinical testing. Allele origin: germline.
Comment: This sequence change replaces serine, which is neutral and polar, with proline, which is neutral and non-polar, at codon 390 of the FBN1 protein (p.Ser390Pro). This variant is present in population databases (rs779113310, gnomAD 0.006%). This variant has not been reported in the literature in individuals affected with FBN1-related conditions. ClinVar contains an entry for this variant (Variation ID: 923497). Invitae Evidence Modeling of protein sequence and biophysical properties (such as structural, functional, and spatial information, amino acid conservation, physicochemical variation, residue mobility, and thermodynamic stability) indicates that this missense variant is not expected to disrupt FBN1 protein function with a negative predictive value of 95%. In summary, the available evidence is currently insufficient to determine the role of this variant in disease. Therefore, it has been classified as a Variant of Uncertain Significance.

GeneDx
Classification: Uncertain significance. Last evaluated: 2024-03-20. Review status: criteria provided, single submitter. Criteria: GeneDx Variant Classification Process June 2021. Collection method: clinical testing. Allele origin: germline. Affected: yes.
Comment: Has not been previously published as pathogenic or benign to our knowledge; Not observed at significant frequency in large population cohorts (gnomAD); In silico analysis supports that this missense variant does not alter protein structure/function; Does not affect a cysteine residue within a calcium-binding EGF-like domain or a TGF-binding protein domain of the FBN1 gene; cysteine substitutions in the calcium-binding EGF-like domains represent the majority of pathogenic missense changes associated with FBN1-related disorders (PMID: 12938084); This variant is associated with the following publications: (PMID: 12938084)

All of Us Research Program, National Institutes of Health
Classification: Uncertain significance for Marfan syndrome. Last evaluated: 2023-10-02. Review status: criteria provided, single submitter. Criteria: ACMG Guidelines, 2015. Collection method: clinical testing. Allele origin: germline. Inheritance: Autosomal dominant inheritance. Observed: 3 variant alleles, 3 heterozygotes.
Comment: This missense variant replaces serine with proline at codon 390 of the FBN1 protein. Computational prediction suggests that this variant may not impact protein structure and function (internally defined REVEL score threshold <= 0.5, PMID: 27666373). To our knowledge, functional studies have not been reported for this variant. This variant has not been reported in individuals affected with cardiovascular disorders in the literature. This variant has not been identified in the general population by the Genome Aggregation Database (gnomAD). The available evidence is insufficient to determine the role of this variant in disease conclusively. Therefore, this variant is classified as a Variant of Uncertain Significance.

This study involves interpretation of variants in research participants for the purpose of population health screening. Participant phenotype was not available at the time of variant classification. Additional details can be found in publication PMID: 35346344, PMCID: PMC8962531

Blueprint Genetics
Classification: Uncertain significance. Last evaluated: 2022-06-03. Review status: criteria provided, single submitter. Criteria: ACMG Guidelines, 2015. Collection method: clinical testing. Allele origin: germline.

CHEO Genetics Diagnostic Laboratory, Children's Hospital of Eastern Ontario
Classification: Uncertain significance for Familial thoracic aortic aneurysm and aortic dissection. Last evaluated: 2021-08-27. Review status: criteria provided, single submitter. Criteria: ACMG Guidelines, 2015. Collection method: clinical testing. Allele origin: germline.

PreventionGenetics, part of Exact Sciences
Classification: Uncertain significance for FBN1-related condition. Last evaluated: 2024-01-30. Review status: no assertion criteria provided. Collection method: clinical testing. Allele origin: germline. Not counted in ClinVar's aggregate classification.
Comment: The FBN1 c.1168T>C variant is predicted to result in the amino acid substitution p.Ser390Pro. To our knowledge, this variant has not been reported in the literature or in a large population database, indicating this variant is rare. A different nucleotide substitution affecting the same amino acid (p.Ser390Phe) has been reported in one individual with craniosynostosis (Clarke et al. 2018. PubMed ID: 29168297). At this time, the clinical significance of the c.1168T>C (p.Ser390Pro) variant is uncertain.

NM_000138.5(FBN1):c.1168T>C (p.Ser390Pro)

Gene: FBN1 (fibrillin 1; minus strand). Cytogenetic location: 15q21.1.
Variant type: single nucleotide variant.
Coding change: c.1168T>C on transcript NM_000138.5 (MANE Select); coding-DNA position 1168, T replaced by C.
Protein change: p.Ser390Pro; replaces serine 390 with proline.
Molecular consequence: missense variant.
Genome position (GRCh38, 1-based): chr15:48,516,342, A>G on the plus strand (T>C on the coding strand, the complement: FBN1 is on the minus strand). VCF-style: chr15-48516342-A-G. GRCh37 (hg19) VCF-style: chr15-48808539-A-G.
Other names: short protein forms S390P.
Identifiers: ClinVar variation 923497 (VCV000923497.20), dbSNP rs779113310, ClinGen allele CA043906.